The following is an entry in ClinVar:

ClinVar aggregate classification (germline): Pathogenic (1 of 4 stars; one submission).

Submission:

CeGaT Center for Human Genetics Tuebingen
Classification: Pathogenic. Last evaluated: 2023-07-01. Review status: criteria provided, single submitter. Criteria: CeGaT Center For Human Genetics Tuebingen Variant Classification Criteria Version 2. Collection method: clinical testing. Allele origin: germline. Affected: yes. Observed: 1 variant allele.
Comment: GLYCTK: PVS1, PM2

NM_145262.4(GLYCTK):c.725_731del (p.Ser242fs)

Gene: GLYCTK (glycerate kinase; plus strand). Cytogenetic location: 3p21.2.
Variant type: Deletion.
Coding change: c.725_731del on transcript NM_145262.4 (MANE Select); coding-DNA positions 725 to 731, 7 bases deleted (CAGATGT; older notation c.725_731delCAGATGT).
Protein change: p.Ser242fs; shifts the reading frame from serine 242.
Molecular consequence: frameshift variant. On other transcripts: non-coding transcript variant (3).
Genome position (GRCh38, 1-based): chr3:52,292,279-52,292,285, CAGATGT deleted; deleting any 7 consecutive bases within chr3:52,292,276-52,292,285 gives the same sequence; the c. name uses the placement nearest the transcript's 3' end. VCF-style (leftmost placement, unchanged base first): chr3-52292275-CTGTCAGA-C. GRCh37 (hg19) VCF-style: chr3-52326291-CTGTCAGA-C.
Other names: c.549_555del, p.Arg184fs (NM_001144951.2); short protein forms R184fs, S242fs.
Identifiers: ClinVar variation 2653876 (VCV002653876.24), dbSNP rs2471084696, ClinGen allele CA2695197919.